The following is an entry in ClinVar:

ClinVar aggregate classification (germline): Uncertain significance (1 of 4 stars; one submission).

Submission:

Laboratory for Molecular Medicine, Mass General Brigham Personalized Medicine
Classification: Uncertain significance. Last evaluated: 2016-10-20. Review status: criteria provided, single submitter. Criteria: LMM Criteria. Collection method: clinical testing. Allele origin: germline.
Comment: Variant identified in a genome or exome case(s) and assessed due to predicted null impact of the variant or pathogenic assertions in the literature or databases. Disclaimer: This variant has not undergone full assessment. The following are preliminary notes: LOF not a known disease mechanism for ACTC1

NM_005159.5(ACTC1):c.646G>T (p.Glu216Ter)

Genes: ACTC1 (actin alpha cardiac muscle 1; minus strand), GJD2-DT (GJD2 divergent transcript; plus strand). Cytogenetic location: 15q14.
Variant type: single nucleotide variant.
Coding change: c.646G>T on transcript NM_005159.5 (MANE Select); coding-DNA position 646, G replaced by T.
Protein change: p.Glu216Ter; replaces glutamic acid 216 with a stop codon.
Molecular consequence: nonsense.
Genome position (GRCh38, 1-based): chr15:34,792,252, C>A on the plus strand (G>T on the coding strand, the complement: ACTC1 is on the minus strand). VCF-style: chr15-34792252-C-A. GRCh37 (hg19) VCF-style: chr15-35084453-C-A.
Other names: short protein forms E216*.
Identifiers: ClinVar variation 402337 (VCV000402337.4), dbSNP rs1060499837, ClinGen allele CA16609766.